The following is an entry in ClinVar:

NM_001146.5(ANGPT1):c.219C>A (p.His73Gln)

Gene: ANGPT1 (angiopoietin 1; minus strand). Cytogenetic location: 8q23.1.
Variant type: single nucleotide variant.
Coding change: c.219C>A on transcript NM_001146.5 (MANE Select); coding-DNA position 219, C replaced by A.
Protein change: p.His73Gln; replaces histidine 73 with glutamine.
Molecular consequence: missense variant.
Genome position (GRCh38, 1-based): chr8:107,497,340, G>T on the plus strand (C>A on the coding strand, the complement: ANGPT1 is on the minus strand). VCF-style: chr8-107497340-G-T. GRCh37 (hg19) VCF-style: chr8-108509568-G-T.
Other names: c.219C>A, p.His73Gln (NM_001199859.3); short protein forms H73Q.
Identifiers: ClinVar variation 4703930 (VCV004703930.1).

ClinVar aggregate classification (germline): Uncertain significance (1 of 4 stars; one submission).

gnomAD v4.1: 2 of 1,614,124 alleles (0.00012%); highest among the groups gnomAD compares: Admixed American, 0.0033%; no homozygotes.

Submission:

Labcorp Genetics (formerly Invitae), Labcorp
Classification: Uncertain significance. Last evaluated: 2025-08-28. Review status: criteria provided, single submitter. Criteria: Invitae Variant Classification Sherloc (09022015). Collection method: clinical testing. Allele origin: germline.
Comment: This sequence change replaces histidine, which is basic and polar, with glutamine, which is neutral and polar, at codon 73 of the ANGPT1 protein (p.His73Gln). This variant is present in population databases (rs750383368, gnomAD 0.006%). This variant has not been reported in the literature in individuals affected with ANGPT1-related conditions. An algorithm developed to predict the effect of missense changes on protein structure and function (PolyPhen-2) suggests that this variant is likely to be tolerated. In summary, the available evidence is currently insufficient to determine the role of this variant in disease. Therefore, it has been classified as a Variant of Uncertain Significance.